The following is an entry in ClinVar:

NM_002769.5(PRSS1):c.248G>A (p.Gly83Glu)

Genes: PRSS1 (serine protease 1; plus strand), TRB (T cell receptor beta locus; plus strand). Cytogenetic location: 7q34.
Variant type: single nucleotide variant.
Coding change: c.248G>A on transcript NM_002769.5 (MANE Select); coding-DNA position 248, G replaced by A.
Protein change: p.Gly83Glu; replaces glycine 83 with glutamic acid.
Molecular consequence: missense variant. On other transcripts: non-coding transcript variant (2).
Genome position (GRCh38, 1-based): chr7:142,751,821, G>A. VCF-style: chr7-142751821-G-A. GRCh37 (hg19) VCF-style: chr7-142459672-G-A.
Other names: short protein forms G83E.
Identifiers: ClinVar variation 2735091 (VCV002735091.3), dbSNP rs2116976959, ClinGen allele CA369608510.

ClinVar aggregate classification (germline): Uncertain significance (1 of 4 stars; one submission).

Conditions:
Hereditary pancreatitis (PCTT). Also called: PRSS1-Related Hereditary Pancreatitis; Hereditary chronic pancreatitis. Identifiers: Orphanet 676, MedGen C0238339, MONDO:0008185, OMIM 167800.

Submission:

Labcorp Genetics (formerly Invitae), Labcorp
Classification: Uncertain significance for Hereditary pancreatitis. Last evaluated: 2022-11-15. Review status: criteria provided, single submitter. Criteria: Invitae Variant Classification Sherloc (09022015). Collection method: clinical testing. Allele origin: germline.
Comment: In summary, the available evidence is currently insufficient to determine the role of this variant in disease. Therefore, it has been classified as a Variant of Uncertain Significance. Experimental studies are conflicting or provide insufficient evidence to determine the effect of this variant on PRSS1 function (PMID: 23455445). Advanced modeling of protein sequence and biophysical properties (such as structural, functional, and spatial information, amino acid conservation, physicochemical variation, residue mobility, and thermodynamic stability) performed at Invitae indicates that this missense variant is not expected to disrupt PRSS1 protein function. This missense change has been observed in individual(s) with pancreatitis (PMID: 11260229). This variant is not present in population databases (gnomAD no frequency). This sequence change replaces glycine, which is neutral and non-polar, with glutamic acid, which is acidic and polar, at codon 83 of the PRSS1 protein (p.Gly83Glu).

Literature cited by the submitters: PubMed 23455445; PubMed 11260229.